The following is an entry in ClinVar:

ClinVar aggregate classification (germline): Uncertain significance (1 of 4 stars; one submission).

Submission:

CeGaT Center for Human Genetics Tuebingen
Classification: Uncertain significance. Last evaluated: 2022-07-01. Review status: criteria provided, single submitter. Criteria: CeGaT Center For Human Genetics Tuebingen Variant Classification Criteria Version 2. Collection method: clinical testing. Allele origin: germline. Affected: yes. Observed: 1 variant allele.
Comment: LRRK2: PM2, BP4

NM_198578.4(LRRK2):c.3470G>C (p.Ser1157Thr)

Gene: LRRK2 (leucine rich repeat kinase 2; plus strand). Cytogenetic location: 12q12.
Variant type: single nucleotide variant.
Coding change: c.3470G>C on transcript NM_198578.4 (MANE Select); coding-DNA position 3470, G replaced by C.
Protein change: p.Ser1157Thr; replaces serine 1157 with threonine.
Molecular consequence: missense variant.
Genome position (GRCh38, 1-based): chr12:40,299,231, G>C. VCF-style: chr12-40299231-G-C. GRCh37 (hg19) VCF-style: chr12-40693033-G-C.
Other names: short protein forms S1157T.
Identifiers: ClinVar variation 2642849 (VCV002642849.24), dbSNP rs2499757366, ClinGen allele CA384415942.